The following is an entry in ClinVar:

ClinVar aggregate classification (germline): Pathogenic/Likely pathogenic. Review status: criteria provided, multiple submitters, no conflicts (2 of 4 stars). 3 submissions from 3 submitters: Pathogenic (2); Likely pathogenic (1). Last evaluated 2024-05-05.

Conditions:
Hypogonadotropic hypogonadism 7 with or without anosmia (HH7). Also called: GNRHR-Related GnRH Deficiency; HYPOGONADOTROPIC HYPOGONADISM 7 WITHOUT ANOSMIA. Identifiers: Orphanet 432, MedGen C0342384, MONDO:0007794, OMIM 146110.

Allele frequency attached by ClinVar (database versions not stated): gnomAD exomes below 0.00001; TOPMed below 0.00001; gnomAD 0.00001.
gnomAD v4.1: 3 of 1,612,576 alleles (0.00019%); highest among the groups gnomAD compares: Non-Finnish European, 0.00025%; no homozygotes.

Submissions (3):

Fulgent Genetics
Classification: Likely pathogenic for Hypogonadotropic hypogonadism 7 with or without anosmia. Last evaluated: 2024-05-05. Review status: criteria provided, single submitter. Criteria: ACMG Guidelines, 2015. Collection method: clinical testing. Allele origin: germline.

Women's Health and Genetics/Laboratory Corporation of America, LabCorp
Classification: Pathogenic for Hypogonadotropic hypogonadism 7 with or without anosmia. Last evaluated: 2024-05-01. Review status: criteria provided, single submitter. Criteria: LabCorp Variant Classification Summary - May 2015. Collection method: clinical testing. Allele origin: germline.
Comment: Variant summary: GNRHR c.847T>C (p.Tyr283His) results in a conservative amino acid change located in the GPCR, rhodopsin-like, 7TM domain (IPR017452) of the encoded protein sequence. Four of five in-silico tools predict a damaging effect of the variant on protein function. The variant allele was found at a frequency of 8e-06 in 251350 control chromosomes. c.847T>C has been reported in the literature in multiple individuals affected with Hypogonadotropic Hypogonadism 7 With Or Without Anosmia (Beneduzzi_2014, Goncalves_2017). These data indicate that the variant is very likely to be associated with disease. At least one publication reports experimental evidence evaluating an impact on protein function (Beneduzzi_2014). The most pronounced variant effect results in <10% of normal activity in transfected COS-7 cells. The following publications have been ascertained in the context of this evaluation (PMID: 25016926, 28611058). ClinVar contains an entry for this variant (Variation ID: 2755816). Based on the evidence outlined above, the variant was classified as pathogenic.

Labcorp Genetics (formerly Invitae), Labcorp
Classification: Pathogenic. Last evaluated: 2022-11-04. Review status: criteria provided, single submitter. Criteria: Invitae Variant Classification Sherloc (09022015). Collection method: clinical testing. Allele origin: germline.
Comment: This sequence change replaces tyrosine, which is neutral and polar, with histidine, which is basic and polar, at codon 283 of the GNRHR protein (p.Tyr283His). For these reasons, this variant has been classified as Pathogenic. Experimental studies have shown that this missense change affects GNRHR function (PMID: 25016926). Advanced modeling of protein sequence and biophysical properties (such as structural, functional, and spatial information, amino acid conservation, physicochemical variation, residue mobility, and thermodynamic stability) performed at Invitae indicates that this missense variant is expected to disrupt GNRHR protein function. This missense change has been observed in individual(s) with clinical features of hypogonadotropic hypogonadism (PMID: 23295295, 28611058). In at least one individual the data is consistent with being in trans (on the opposite chromosome) from a pathogenic variant. It has also been observed to segregate with disease in related individuals. This variant is present in population databases (no rsID available, gnomAD 0.002%).

Literature cited by the submitters: PubMed 25016926 (cited by Women's Health and Genetics/Laboratory Corporation of America, LabCorp and Labcorp Genetics (formerly Invitae), Labcorp); PubMed 28611058 (cited by Women's Health and Genetics/Laboratory Corporation of America, LabCorp and Labcorp Genetics (formerly Invitae), Labcorp); PubMed 23295295 (cited by Labcorp Genetics (formerly Invitae), Labcorp).

NM_000406.3(GNRHR):c.847T>C (p.Tyr283His)

Gene: GNRHR (gonadotropin releasing hormone receptor; minus strand). Cytogenetic location: 4q13.2.
Variant type: single nucleotide variant.
Coding change: c.847T>C on transcript NM_000406.3 (MANE Select); coding-DNA position 847, T replaced by C.
Protein change: p.Tyr283His; replaces tyrosine 283 with histidine.
Molecular consequence: missense variant.
Genome position (GRCh38, 1-based): chr4:67,740,620, A>G on the plus strand (T>C on the coding strand, the complement: GNRHR is on the minus strand). VCF-style: chr4-67740620-A-G. GRCh37 (hg19) VCF-style: chr4-68606338-A-G.
Other names: c.719T>C, p.Leu240Pro (NM_001012763.2); short protein forms Y283H, L240P.
Identifiers: ClinVar variation 2755816 (VCV002755816.5), dbSNP rs1237982349, ClinGen allele CA357047792.